The following is an entry in ClinVar:

ClinVar aggregate classification (germline): Uncertain significance (1 of 4 stars; one submission).

Submission:

GeneDx
Classification: Uncertain significance. Last evaluated: 2023-04-19. Review status: criteria provided, single submitter. Criteria: GeneDx Variant Classification Process June 2021. Collection method: clinical testing. Allele origin: germline. Affected: yes.
Comment: Not observed at significant frequency in large population cohorts (gnomAD); Frameshift variant predicted to result in protein truncation or nonsense mediated decay in a gene for which loss of function is a known mechanism of disease; Has not been previously published as pathogenic or benign to our knowledge; Reported using an alternate transcript of the gene

NM_001256627.2(BRSK2):c.91+21243CAGCC[3]

Gene: BRSK2 (BR serine/threonine kinase 2; plus strand). Cytogenetic location: 11p15.5.
Variant type: Microsatellite.
Coding change: c.91+21243CAGCC[3] on transcript NM_001256627.2 (MANE Select); three copies in a row of the 5-base unit CAGCC starting at c.91+21243.
Molecular consequence: intron variant. On other transcripts: frameshift variant (1).
Genome position: GRCh38 VCF-style: chr11-1411617-G-GCAGCC. GRCh37 (hg19) VCF-style: chr11-1432847-G-GCAGCC.
Other names: c.223_227dup, p.Gly77fs (NM_001256630.1); c.91+21243CAGCC[3] (NM_001256629.2, NM_003957.4); c.-90+712CAGCC[3] (NM_001282218.2); short protein forms G77fs.
Identifiers: ClinVar variation 2663692 (VCV002663692.1), dbSNP rs1013100859, ClinGen allele CA217032805.